The following is an entry in ClinVar:

ClinVar aggregate classification (germline): Benign (1 of 4 stars; one submission).

Conditions:
Lynch syndrome 5 (LYNCH5). Also called: Colorectal cancer, hereditary nonpolyposis, type 5; Hereditary non-polyposis colorectal cancer, type 5. Identifiers: Orphanet 144, MedGen C1833477, MONDO:0013710, OMIM 614350. Disease mechanism: loss of function.

Submission:

Myriad Genetics, Inc.
Classification: Benign for Lynch syndrome 5. Last evaluated: 2025-01-07. Review status: criteria provided, single submitter. Criteria: Myriad Autosomal Dominant, Autosomal Recessive and X-Linked Classification Criteria (2023). Collection method: clinical testing. Allele origin: unknown.
Comment: This variant is considered benign. This variant is a silent/synonymous amino acid change and it is not expected to impact splicing.

NM_000179.3(MSH6):c.3594C>G (p.Ala1198=)

Gene: MSH6 (mutS homolog 6; plus strand). Cytogenetic location: 2p16.3.
Variant type: single nucleotide variant.
Coding change: c.3594C>G on transcript NM_000179.3 (MANE Select); coding-DNA position 3594, C replaced by G.
Protein change: p.Ala1198=; no amino-acid change (alanine 1198 retained).
Molecular consequence: synonymous variant. On other transcripts: non-coding transcript variant (5).
Genome position (GRCh38, 1-based): chr2:47,805,655, C>G. VCF-style: chr2-47805655-C-G. GRCh37 (hg19) VCF-style: chr2-48032794-C-G.
Other names: c.3204C>G, p.Ala1068= (NM_001281492.2); c.2688C>G, p.Ala896= (NM_001281493.2, NM_001281494.2, NM_001406811.1 and 6 more transcripts); c.3690C>G, p.Ala1230= (NM_001406795.1, NM_001406802.1); c.3594C>G, p.Ala1198= (NM_001406796.1, NM_001406800.1, NM_001406808.1 and 1 more transcripts); c.3297C>G, p.Ala1099= (NM_001406797.1, NM_001406801.1, NM_001406805.1 and 10 more transcripts); c.3420C>G, p.Ala1140= (NM_001406798.1); c.3069C>G, p.Ala1023= (NM_001406799.1, NM_001406806.1, NM_001406807.1); c.2730C>G, p.Ala910= (NM_001406803.1); and 7 more.
Identifiers: ClinVar variation 3904166 (VCV003904166.1).